The following is an entry in ClinVar:

ClinVar aggregate classification (germline): Uncertain significance (1 of 4 stars; one submission).

Conditions:
Hereditary cancer-predisposing syndrome. Also called: Neoplastic Syndromes, Hereditary; Tumor predisposition; Hereditary Cancer Syndrome; Hereditary neoplastic syndrome. Identifiers: Orphanet 140162, MedGen C0027672, MeSH D009386, MONDO:0015356.

Allele frequency attached by ClinVar (database versions not stated): gnomAD exomes below 0.00001.
gnomAD v4.1: 1 of 1,613,992 alleles (0.000062%); highest among the groups gnomAD compares: East Asian, 0.0022%; no homozygotes.

Submission:

Ambry Genetics
Classification: Uncertain significance for Hereditary cancer-predisposing syndrome. Last evaluated: 2021-02-04. Review status: criteria provided, single submitter. Criteria: Ambry Variant Classification Scheme 2023. Collection method: clinical testing. Allele origin: germline.
Comment: The p.D117N variant (also known as c.349G>A), located in coding exon 5 of the BAP1 gene, results from a G to A substitution at nucleotide position 349. The aspartic acid at codon 117 is replaced by asparagine, an amino acid with highly similar properties. This amino acid position is well conserved in available vertebrate species. In addition, this alteration is predicted to be tolerated by in silico analysis. Since supporting evidence is limited at this time, the clinical significance of this alteration remains unclear.

NM_004656.4(BAP1):c.349G>A (p.Asp117Asn)

Gene: BAP1 (BRCA1 associated deubiquitinase 1; minus strand). Cytogenetic location: 3p21.1.
Variant type: single nucleotide variant.
Coding change: c.349G>A on transcript NM_004656.4 (MANE Select); coding-DNA position 349, G replaced by A.
Protein change: p.Asp117Asn; replaces aspartic acid 117 with asparagine.
Molecular consequence: missense variant.
Genome position (GRCh38, 1-based): chr3:52,407,984, C>T on the plus strand (G>A on the coding strand, the complement: BAP1 is on the minus strand). VCF-style: chr3-52407984-C-T. GRCh37 (hg19) VCF-style: chr3-52442000-C-T.
Other names: c.349G>A, p.Asp117Asn (NM_001410772.1); short protein forms D117N.
Identifiers: ClinVar variation 1732031 (VCV001732031.2), dbSNP rs2153228091, ClinGen allele CA353111863.